The following is an entry in ClinVar:

NM_016341.4(PLCE1):c.4795+8A>G

Genes: PLCE1 (phospholipase C epsilon 1; plus strand), PLCE1-AS1 (PLCE1 antisense RNA 1; minus strand). Cytogenetic location: 10q23.33.
Variant type: single nucleotide variant.
Coding change: c.4795+8A>G on transcript NM_016341.4 (MANE Select); 8 bases into the intron after coding-DNA position 4795, A replaced by G.
Molecular consequence: intron variant. On other transcripts: non-coding transcript variant (1).
Genome position (GRCh38, 1-based): chr10:94,279,919, A>G. VCF-style: chr10-94279919-A-G. GRCh37 (hg19) VCF-style: chr10-96039676-A-G.
Other names: c.4747+8A>G (NM_001288989.2); c.3871+8A>G (NM_001165979.2).
Identifiers: ClinVar variation 3031934 (VCV003031934.4), dbSNP rs372623895, ClinGen allele CA5613224.

ClinVar aggregate classification (germline): Likely benign. Review status: criteria provided, single submitter (1 of 4 stars). 2 submissions from 2 submitters: Likely benign (1). 1 of the submissions does not count toward it. Last evaluated 2025-12-22.

Conditions:
PLCE1-related disorder. Also called: PLCE1-related condition.

Allele frequency attached by ClinVar (database versions not stated): gnomAD exomes 0.00002; ExAC 0.00011; 1000 Genomes Project 0.00020; gnomAD 0.00035; ESP Exome Variant Server 0.00042; 1000 Genomes Project 30x 0.00016.
gnomAD v4.1: 107 of 1,613,468 alleles (0.0066%); highest among the groups gnomAD compares: African/African-American, 0.099%; 1 homozygote.

Submissions (2):

Labcorp Genetics (formerly Invitae), Labcorp
Classification: Likely benign. Last evaluated: 2025-12-22. Review status: criteria provided, single submitter. Criteria: Invitae Variant Classification Sherloc (09022015). Collection method: clinical testing. Allele origin: germline.

PreventionGenetics, part of Exact Sciences
Classification: Likely benign for PLCE1-related condition. Last evaluated: 2020-09-21. Review status: no assertion criteria provided. Collection method: clinical testing. Allele origin: germline. Not counted in ClinVar's aggregate classification.
Comment: This variant is classified as likely benign based on ACMG/AMP sequence variant interpretation guidelines (Richards et al. 2015 PMID: 25741868, with internal and published modifications).